The following is an entry in ClinVar:

ClinVar aggregate classification (germline): Uncertain significance. Review status: criteria provided, multiple submitters, no conflicts (2 of 4 stars). 2 submissions from 2 submitters: Uncertain significance (2). Last evaluated 2023-03-10.

Conditions:
Norman-Roberts syndrome (LIS2). Also called: Lissencephaly 2 (Norman-Roberts type). Identifiers: Orphanet 89844, MedGen C0796089, MONDO:0009760, OMIM 257320.
Familial temporal lobe epilepsy 7. Identifiers: Orphanet 101046, MedGen C4225327, MONDO:0014639, OMIM 616436.

Allele frequency attached by ClinVar (database versions not stated): gnomAD 0.00001; TOPMed 0.00001.
gnomAD v4.1: 1 of 1,613,998 alleles (0.000062%); highest among the groups gnomAD compares: African/African-American, 0.0013%; no homozygotes.

Submissions (2):

Labcorp Genetics (formerly Invitae), Labcorp
Classification: Uncertain significance for Familial temporal lobe epilepsy 7; Norman-Roberts syndrome. Last evaluated: 2023-03-10. Review status: criteria provided, single submitter. Criteria: Invitae Variant Classification Sherloc (09022015). Collection method: clinical testing. Allele origin: germline.
Comment: This variant is not present in population databases (gnomAD no frequency). In summary, the available evidence is currently insufficient to determine the role of this variant in disease. Therefore, it has been classified as a Variant of Uncertain Significance. Advanced modeling of protein sequence and biophysical properties (such as structural, functional, and spatial information, amino acid conservation, physicochemical variation, residue mobility, and thermodynamic stability) performed at Invitae indicates that this missense variant is not expected to disrupt RELN protein function. ClinVar contains an entry for this variant (Variation ID: 1334580). This variant has not been reported in the literature in individuals affected with RELN-related conditions. This sequence change replaces isoleucine, which is neutral and non-polar, with threonine, which is neutral and polar, at codon 2317 of the RELN protein (p.Ile2317Thr).

Greenwood Genetic Center Diagnostic Laboratories, Greenwood Genetic Center
Classification: Uncertain significance. Last evaluated: 2021-09-13. Review status: criteria provided, single submitter. Criteria: ACMG Guidelines, 2015. Collection method: clinical testing. Allele origin: germline. Affected: yes.
Comment: PM2

NM_005045.4(RELN):c.6950T>C (p.Ile2317Thr)

Gene: RELN (reelin; minus strand). Cytogenetic location: 7q22.1.
Variant type: single nucleotide variant.
Coding change: c.6950T>C on transcript NM_005045.4 (MANE Select); coding-DNA position 6950, T replaced by C.
Protein change: p.Ile2317Thr; replaces isoleucine 2317 with threonine.
Molecular consequence: missense variant.
Genome position (GRCh38, 1-based): chr7:103,539,308, A>G on the plus strand (T>C on the coding strand, the complement: RELN is on the minus strand). VCF-style: chr7-103539308-A-G. GRCh37 (hg19) VCF-style: chr7-103179755-A-G.
Other names: c.6950T>C, p.Ile2317Thr (NM_173054.3); short protein forms I2317T.
Identifiers: ClinVar variation 1334580 (VCV001334580.8), dbSNP rs1469133138, ClinGen allele CA368769476.